The following is an entry in ClinVar:

NM_000334.4(SCN4A):c.5263C>T (p.Arg1755Cys)

Genes: GH-LCR (growth hormone locus control region; plus strand), SCN4A (sodium voltage-gated channel alpha subunit 4; minus strand). Cytogenetic location: 17q23.3.
Variant type: single nucleotide variant.
Coding change: c.5263C>T on transcript NM_000334.4 (MANE Select); coding-DNA position 5263, C replaced by T.
Protein change: p.Arg1755Cys; replaces arginine 1755 with cysteine.
Molecular consequence: missense variant.
Genome position (GRCh38, 1-based): chr17:63,941,019, G>A on the plus strand (C>T on the coding strand, the complement: SCN4A is on the minus strand). VCF-style: chr17-63941019-G-A. GRCh37 (hg19) VCF-style: chr17-62018379-G-A.
Other names: short protein forms R1755C.
Identifiers: ClinVar variation 582323 (VCV000582323.13), dbSNP rs758293600, ClinGen allele CA8708799.
Genomic context (GRCh38, chr17:63,941,019, plus strand): 5'-TGTTGGCAAGCAGCCCCTCCTTCTCAGGGGCGTCATCCCCGCTGCCGTCGTGGCTGTGGC[G>A]GTACATGTAGGATGCCTGCTTCATGGAGCGCTGTAGCAGGTGCCGGCGGTAGGCCCTCTG-3'
Protein context (NP_000325.4, residues 1745-1765): RSMKQASYMY[Arg1755Cys]HSHDGSGDDA

ClinVar aggregate classification (germline): Uncertain significance. Review status: criteria provided, multiple submitters, no conflicts (2 of 4 stars). 5 submissions from 5 submitters: Uncertain significance (5). Last evaluated 2025-11-25.

Conditions:
Inborn genetic diseases. Identifiers: MedGen C0950123, MeSH D030342.
Hyperkalemic periodic paralysis. Also called: Familial hyperkalemic periodic paralysis; Gamstorp disease. Identifiers: Orphanet 682, MedGen C0238357, MONDO:0008224, OMIM 170500, HP:0007215.
Congenital myasthenic syndrome 16. Identifiers: Orphanet 590, MedGen C3280112, MONDO:0013620, OMIM 614198.
Hypokalemic periodic paralysis, type 1. Also called: Hypokalemic Periodic Paralysis Type 1 (AD); HypoPP. Identifiers: Orphanet 681, MedGen C3714580, MONDO:0042979, OMIM 170400.
Paramyotonia congenita of Von Eulenburg. Also called: Myotonia congenita intermittens; Von Eulenburg paramyotonia congenita; Paramyotonia Congenita; PARALYSIS PERIODICA PARAMYOTONICA; Eulenburg disease. Identifiers: Orphanet 684, MedGen C0221055, MONDO:0008195, OMIM 168300. Disease mechanism: loss of function.
Hypokalemic periodic paralysis, type 2 (HOKPP2). Identifiers: Orphanet 681, MedGen C2750061, MONDO:0013234, OMIM 613345.
Potassium-aggravated myotonia. Also called: Myotonia congenita, atypical, acetazolamide-responsive; MYOTONIA CONGENITA, ACETAZOLAMIDE-RESPONSIVE; MYOTONIA CONGENITA, ATYPICAL; SODIUM CHANNEL MUSCLE DISEASE. Identifiers: Orphanet 612, Orphanet 99734, Orphanet 99735, Orphanet 99736, MedGen C2931826, MONDO:0018959, OMIM 608390.

Allele frequency attached by ClinVar (database versions not stated): gnomAD exomes below 0.00001 and 0.00001; ExAC 0.00001; TOPMed 0.00001.
gnomAD v4.1: 9 of 1,613,836 alleles (0.00056%); highest among the groups gnomAD compares: African/African-American, 0.0027%; no homozygotes.

Submissions (5):

Women's Health and Genetics/Laboratory Corporation of America, LabCorp
Classification: Uncertain significance. Last evaluated: 2025-11-25. Review status: criteria provided, single submitter. Criteria: LabCorp Variant Classification Summary - May 2015. Collection method: clinical testing. Allele origin: germline.
Comment: Variant summary: SCN4A c.5263C>T (p.Arg1755Cys) results in a non-conservative amino acid change in the encoded protein sequence. Algorithms developed to predict the effect of missense changes on protein structure and function all suggest that this variant is likely to be disruptive. The variant allele was found at a frequency of 4e-06 in 248992 control chromosomes. The available data on variant occurrences in the general population are insufficient to allow any conclusion about variant significance. To our knowledge, no occurrence of c.5263C>T in individuals affected with SCN4A-related conditions and no experimental evidence demonstrating its impact on protein function have been reported. ClinVar contains an entry for this variant (Variation ID: 582323). Based on the evidence outlined above, the variant was classified as uncertain significance.

Ambry Genetics
Classification: Uncertain significance for Inborn genetic diseases. Last evaluated: 2025-03-22. Review status: criteria provided, single submitter. Criteria: Ambry Variant Classification Scheme 2023. Collection method: clinical testing. Allele origin: germline.

Labcorp Genetics (formerly Invitae), Labcorp
Classification: Uncertain significance for Hyperkalemic periodic paralysis. Last evaluated: 2024-11-27. Review status: criteria provided, single submitter. Criteria: Invitae Variant Classification Sherloc (09022015). Collection method: clinical testing. Allele origin: germline.
Comment: This sequence change replaces arginine, which is basic and polar, with cysteine, which is neutral and slightly polar, at codon 1755 of the SCN4A protein (p.Arg1755Cys). This variant is present in population databases (rs758293600, gnomAD 0.0009%). This variant has not been reported in the literature in individuals affected with SCN4A-related conditions. ClinVar contains an entry for this variant (Variation ID: 582323). Invitae Evidence Modeling of protein sequence and biophysical properties (such as structural, functional, and spatial information, amino acid conservation, physicochemical variation, residue mobility, and thermodynamic stability) indicates that this missense variant is not expected to disrupt SCN4A protein function with a negative predictive value of 95%. In summary, the available evidence is currently insufficient to determine the role of this variant in disease. Therefore, it has been classified as a Variant of Uncertain Significance.

Fulgent Genetics
Classification: Uncertain significance for Paramyotonia congenita of Von Eulenburg; Hypokalemic periodic paralysis, type 1; Hyperkalemic periodic paralysis; Potassium-aggravated myotonia; Hypokalemic periodic paralysis, type 2; Congenital myasthenic syndrome 16. Last evaluated: 2022-02-24. Review status: criteria provided, single submitter. Criteria: ACMG Guidelines, 2015. Collection method: clinical testing. Allele origin: unknown.

Revvity Omics, Revvity
Classification: Uncertain significance. Last evaluated: 2021-06-28. Review status: criteria provided, single submitter. Criteria: ACMG Guidelines, 2015. Collection method: clinical testing. Allele origin: germline.